The following is an entry in ClinVar:

ClinVar aggregate classification (germline): Uncertain significance (0 of 4 stars; one submission).

Conditions:
POMC-related disorder. Also called: POMC-related disorders; POMC-related condition.

Submission:

PreventionGenetics, part of Exact Sciences
Classification: Uncertain significance for POMC-related condition. Last evaluated: 2024-03-29. Review status: no assertion criteria provided. Collection method: clinical testing. Allele origin: germline.
Comment: The POMC c.477_478dupGT variant is predicted to result in a frameshift and premature protein termination (p.Tyr160Cysfs*22). This variant is found within the terminal exon of POMC. To our knowledge, this variant has not been reported in the literature or in a large population database, indicating this variant is rare. Although we suspect that this variant may be pathogenic, at this time, the clinical significance of this variant is uncertain due to the absence of conclusive functional and genetic evidence.

NM_000939.4(POMC):c.477_478dup (p.Tyr160fs)

Gene: POMC (proopiomelanocortin; minus strand). Cytogenetic location: 2p23.3.
Variant type: Microsatellite.
Coding change: c.477_478dup on transcript NM_000939.4 (MANE Select); coding-DNA positions 477 to 478, 2 bases duplicated (GT; older notation c.477_478dupGT).
Protein change: p.Tyr160fs; shifts the reading frame from tyrosine 160.
Molecular consequence: frameshift variant.
Genome position (GRCh38, 1-based): chr2:25,161,407-25,161,408, AC duplicated on the plus strand (GT on the coding strand, the reverse complement: POMC is on the minus strand); duplicating any 2 consecutive bases within chr2:25,161,407-25,161,410 gives the same sequence; the c. name uses the placement nearest the transcript's 3' end. VCF-style (leftmost placement, unchanged base first): chr2-25161406-T-TAC. GRCh37 (hg19) VCF-style: chr2-25384275-T-TAC.
Other names: c.477_478dup, p.Tyr160fs (NM_001035256.3, NM_001319204.2, NM_001319205.2); short protein forms Y160fs.
Identifiers: ClinVar variation 3348936 (VCV003348936.1).
Genomic context (GRCh38, chr2:25,161,406, plus strand): 5'-AGCTCCCTCTTGAACTCCAGGGGGAAGGCCTCGGCCGACTCGTCCTCGGCGCCGTTAGGG[T>TAC]ACACCTTCACTGGGCGCCGCTTCTTGCCCACCGGCTTGCCCCAGCGGAAGTGCTCCATGG-3'